The following is an entry in ClinVar:

ClinVar aggregate classification (germline): Uncertain significance. Review status: criteria provided, multiple submitters, no conflicts (2 of 4 stars). 3 submissions from 3 submitters: Uncertain significance (3). Last evaluated 2022-04-06.

Conditions:
Inborn genetic diseases. Identifiers: MedGen C0950123, MeSH D030342.

Allele frequency attached by ClinVar (database versions not stated): gnomAD 0.00002; TOPMed 0.00002; ExAC 0.00012; gnomAD exomes 0.00012.

Submissions (3):

GeneDx
Classification: Uncertain significance. Last evaluated: 2022-04-06. Review status: criteria provided, single submitter. Criteria: GeneDx Variant Classification Process June 2021. Collection method: clinical testing. Allele origin: germline. Affected: yes.
Comment: In silico analysis supports that this missense variant has a deleterious effect on protein structure/function; Has not been previously published as pathogenic or benign to our knowledge

Blueprint Genetics
Classification: Uncertain significance. Last evaluated: 2021-10-27. Review status: criteria provided, single submitter. Criteria: ACMG Guidelines, 2015. Collection method: clinical testing. Allele origin: germline.

Ambry Genetics
Classification: Uncertain significance for Inborn genetic diseases. Last evaluated: 2021-09-17. Review status: criteria provided, single submitter. Criteria: Ambry Variant Classification Scheme 2023. Collection method: clinical testing. Allele origin: germline.

NM_031475.3(ESPN):c.2416C>T (p.Arg806Trp)

Gene: ESPN (espin; plus strand). Cytogenetic location: 1p36.31.
Variant type: single nucleotide variant.
Coding change: c.2416C>T on transcript NM_031475.3 (MANE Select); coding-DNA position 2416, C replaced by T.
Protein change: p.Arg806Trp; replaces arginine 806 with tryptophan.
Molecular consequence: missense variant.
Genome position (GRCh38, 1-based): chr1:6,457,371, C>T. VCF-style: chr1-6457371-C-T. GRCh37 (hg19) VCF-style: chr1-6517431-C-T.
Other names: c.2326C>T, p.Arg776Trp (NM_001367473.1); c.2353C>T, p.Arg785Trp (NM_001367474.1); short protein forms R776W, R785W, R806W.
Identifiers: ClinVar variation 1678674 (VCV001678674.6), dbSNP rs746244406, ClinGen allele CA560497.
Genomic context (GRCh38, chr1:6,457,371, plus strand): 5'-GCGTCCCTGAGGTGGAGGTACCAAGTGACACTGTCTCTTTTTCCTTCCAGGGAGCAGAAG[C>T]GGTGAGTGCAGGGCTGGCCCCAACCTGCCACCCTTATCCCCACCCAAGTCGCAGAGGGTC-3'
Protein context (NP_113663.2, residues 796-816): KKLEEEREQK[Arg806Trp]KEEERQKQEE